The following is an entry in ClinVar:

ClinVar aggregate classification (germline): Benign. Review status: criteria provided, multiple submitters, no conflicts (2 of 4 stars). 6 submissions from 3 submitters: Benign (6). Last evaluated 2021-07-14.

Conditions:
Age related macular degeneration 2. Also called: MACULAR DEGENERATION, SENILE; MACULOPATHY, AGE-RELATED, 2; MACULOPATHY, AGE-RELATED. Identifiers: MedGen C3495438, MONDO:0007932, OMIM 153800.
Severe early-childhood-onset retinal dystrophy (STGD1). Also called: MACULAR DYSTROPHY WITH FLECKS, TYPE 1; STGD; Stargardt macular dystrophy; Juvenile onset macular degeneration; Stargardt disease 1. Identifiers: Orphanet 364055, Orphanet 827, MedGen C1855465, MeSH D000080362, MONDO:0009549, OMIM 248200.
Cone-rod dystrophy 3 (CORD3). Identifiers: Orphanet 1872, MedGen C1858806, MONDO:0011395, OMIM 604116.
Retinitis pigmentosa 19 (RP19). Also called: ABCA4-Related Retinitis Pigmentosa. Identifiers: Orphanet 791, MedGen C1866422, MONDO:0011137, OMIM 601718.

Allele frequency attached by ClinVar (database versions not stated): gnomAD 0.56024 and 0.55349; 1000 Genomes Project 0.48522; TOPMed 0.54221; 1000 Genomes Project 30x 0.48860.
gnomAD v4.1: 84,046 of 152,038 alleles (55%); highest among the groups gnomAD compares: Middle Eastern, 62%; 23,523 homozygotes.

Submissions (6):

Genome-Nilou Lab
Classification: Benign for Cone-rod dystrophy 3. Last evaluated: 2021-07-14. Review status: criteria provided, single submitter. Criteria: ACMG Guidelines, 2015. Collection method: clinical testing. Allele origin: germline. Affected: no.

Genome-Nilou Lab
Classification: Benign for Age related macular degeneration 2. Last evaluated: 2021-07-14. Review status: criteria provided, single submitter. Criteria: ACMG Guidelines, 2015. Collection method: clinical testing. Allele origin: germline. Affected: no.

Genome-Nilou Lab
Classification: Benign for Severe early-childhood-onset retinal dystrophy. Last evaluated: 2021-07-14. Review status: criteria provided, single submitter. Criteria: ACMG Guidelines, 2015. Collection method: clinical testing. Allele origin: germline. Affected: no.

Genome-Nilou Lab
Classification: Benign for Retinitis pigmentosa 19. Last evaluated: 2021-07-14. Review status: criteria provided, single submitter. Criteria: ACMG Guidelines, 2015. Collection method: clinical testing. Allele origin: germline. Affected: no.

GeneDx
Classification: Benign. Last evaluated: 2018-06-19. Review status: criteria provided, single submitter. Criteria: GeneDx Variant Classification (06012015). Collection method: clinical testing. Allele origin: germline. Affected: yes.
Comment: This variant is considered likely benign or benign based on one or more of the following criteria: it is a conservative change, it occurs at a poorly conserved position in the protein, it is predicted to be benign by multiple in silico algorithms, and/or has population frequency not consistent with disease.

Breakthrough Genomics
Classification: Benign. Review status: criteria provided, single submitter. Criteria: ACMG Guidelines, 2015. Collection method: not provided. Allele origin: germline. Inheritance: Autosomal recessive inheritance. Affected: yes.

NM_000350.3(ABCA4):c.4128+156C>T

Gene: ABCA4 (ATP binding cassette subfamily A member 4; minus strand). Cytogenetic location: 1p22.1.
Variant type: single nucleotide variant.
Coding change: c.4128+156C>T on transcript NM_000350.3 (MANE Select); 156 bases into the intron after coding-DNA position 4128, C replaced by T.
Molecular consequence: intron variant.
Genome position (GRCh38, 1-based): chr1:94,031,622, G>A on the plus strand (C>T on the coding strand, the complement: ABCA4 is on the minus strand). VCF-style: chr1-94031622-G-A. GRCh37 (hg19) VCF-style: chr1-94497178-G-A.
Identifiers: ClinVar variation 678757 (VCV000678757.5), dbSNP rs4147841, ClinGen allele CA15075641.